The following is an entry in ClinVar:

NM_002294.3(LAMP2):c.54C>A (p.Cys18Ter)

Gene: LAMP2 (lysosome associated membrane protein 2; minus strand). Cytogenetic location: Xq24.
Variant type: single nucleotide variant.
Coding change: c.54C>A on transcript NM_002294.3 (MANE Select); coding-DNA position 54, C replaced by A.
Protein change: p.Cys18Ter; replaces cysteine 18 with a stop codon.
Molecular consequence: nonsense.
Genome position (GRCh38, 1-based): chrX:120,469,116, G>T on the plus strand (C>A on the coding strand, the complement: LAMP2 is on the minus strand). VCF-style: chrX-120469116-G-T. GRCh37 (hg19) VCF-style: chrX-119602971-G-T.
Other names: c.54C>A, p.Cys18Ter (NM_001122606.1, NM_013995.2); short protein forms C18*.
Identifiers: ClinVar variation 1398614 (VCV001398614.6), dbSNP rs2147294814, ClinGen allele CA414397829.

ClinVar aggregate classification (germline): Pathogenic (1 of 4 stars; one submission).

Conditions:
Danon disease. Also called: PSEUDOGLYCOGENOSIS II; GSD IIb; LYSOSOMAL GLYCOGEN STORAGE DISEASE WITHOUT ACID MALTASE DEFICIENCY; ANTOPOL DISEASE; Glycogen Storage Disease Type IIb. Identifiers: Orphanet 34587, MedGen C0878677, MONDO:0010281, OMIM 300257.

Submission:

Labcorp Genetics (formerly Invitae), Labcorp
Classification: Pathogenic for Danon disease. Last evaluated: 2022-12-22. Review status: criteria provided, single submitter. Criteria: Invitae Variant Classification Sherloc (09022015). Collection method: clinical testing. Allele origin: germline.
Comment: For these reasons, this variant has been classified as Pathogenic. ClinVar contains an entry for this variant (Variation ID: 1398614). This variant has not been reported in the literature in individuals affected with LAMP2-related conditions. This variant is not present in population databases (gnomAD no frequency). This sequence change creates a premature translational stop signal (p.Cys18*) in the LAMP2 gene. It is expected to result in an absent or disrupted protein product. Loss-of-function variants in LAMP2 are known to be pathogenic (PMID: 21415759).

Literature cited by the submitters: PubMed 21415759.